The following is an entry in ClinVar:

NM_001298.3(CNGA3):c.1305G>A (p.Thr435=)

Gene: CNGA3 (cyclic nucleotide gated channel subunit alpha 3; plus strand). Cytogenetic location: 2q11.2.
Variant type: single nucleotide variant.
Coding change: c.1305G>A on transcript NM_001298.3 (MANE Select); coding-DNA position 1305, G replaced by A.
Protein change: p.Thr435=; no amino-acid change (threonine 435 retained).
Molecular consequence: synonymous variant.
Genome position (GRCh38, 1-based): chr2:98,396,475, G>A. VCF-style: chr2-98396475-G-A. GRCh37 (hg19) VCF-style: chr2-99012938-G-A.
Other names: c.1305G>A (NM_001298.2); c.1251G>A, p.Thr417= (NM_001079878.2).
Identifiers: ClinVar variation 1125567 (VCV001125567.11), dbSNP rs150008953, ClinGen allele CA1793984.
Genomic context (GRCh38, chr2:98,396,475, plus strand): 5'-CAAGATTGATTCCATCAAGCAGTACATGCAGTTCCGCAAGGTCACCAAGGACTTGGAGAC[G>A]CGGGTTATCCGGTGGTTTGACTACCTGTGGGCCAACAAGAAGACGGTGGATGAGAAGGAG-3'
Protein context (NP_001289.1, residues 425-445): QFRKVTKDLE[Thr435=]RVIRWFDYLW

ClinVar aggregate classification (germline): Likely benign. Review status: criteria provided, multiple submitters, no conflicts (2 of 4 stars). 3 submissions from 3 submitters: Likely benign (3). Last evaluated 2026-04-21.

Conditions:
CNGA3-related disorder. Also called: CNGA3-related condition.

Allele frequency attached by ClinVar (database versions not stated): ExAC 0.00002; gnomAD exomes 0.00003; TOPMed 0.00003; gnomAD 0.00005; ESP Exome Variant Server 0.00015.
gnomAD v4.1: 35 of 1,614,002 alleles (0.0022%); highest among the groups gnomAD compares: East Asian, 0.018%; no homozygotes.

Submissions (3):

PreventionGenetics, part of Exact Sciences
Classification: Likely benign for CNGA3-related condition. Last evaluated: 2026-04-21. Review status: criteria provided, single submitter. Criteria: ACMG Guidelines, 2015. Collection method: clinical testing. Allele origin: germline.
Comment: This variant is classified as likely benign based on ACMG/AMP sequence variant interpretation guidelines (Richards et al. 2015 PMID: 25741868, with internal and published modifications).

Labcorp Genetics (formerly Invitae), Labcorp
Classification: Likely benign. Last evaluated: 2025-12-22. Review status: criteria provided, single submitter. Criteria: Invitae Variant Classification Sherloc (09022015). Collection method: clinical testing. Allele origin: germline.

Blueprint Genetics
Classification: Likely benign. Last evaluated: 2023-09-19. Review status: criteria provided, single submitter. Criteria: ACMG Guidelines, 2015. Collection method: clinical testing. Allele origin: germline.